The following is an entry in ClinVar:

ClinVar aggregate classification (germline): Uncertain significance. Review status: criteria provided, multiple submitters, no conflicts (2 of 4 stars). 5 submissions from 3 submitters: Uncertain significance (5). Last evaluated 2025-11-26.

Conditions:
Congenital myasthenic syndrome 15. Also called: Myasthenic syndrome, congenital, 15, without tubular aggregates. Identifiers: Orphanet 353327, Orphanet 590, MedGen C4015596, MONDO:0014542, OMIM 616227.
Myopathy, epilepsy, and progressive cerebral atrophy. Identifiers: MedGen C5436652, MONDO:0033619, OMIM 619036.
Intellectual developmental disorder with epilepsy, behavioral abnormalities, and coarse facies. Identifiers: MedGen C5436646, MONDO:0033572, OMIM 619031.
Inborn genetic diseases. Identifiers: MedGen C0950123, MeSH D030342.

Allele frequency attached by ClinVar (database versions not stated): gnomAD exomes 0.00004 and 0.00005; ExAC 0.00006; gnomAD 0.00007 and 0.00009; TOPMed 0.00008; 1000 Genomes Project 30x 0.00016; 1000 Genomes Project 0.00020.
gnomAD v4.1: 80 of 1,613,846 alleles (0.005%); highest among the groups gnomAD compares: African/African-American, 0.02%; no homozygotes.

Submissions (5):

Ambry Genetics
Classification: Uncertain significance for Inborn genetic diseases. Last evaluated: 2025-11-26. Review status: criteria provided, single submitter. Criteria: Ambry Variant Classification Scheme 2023. Collection method: clinical testing. Allele origin: germline.

Genome-Nilou Lab
Classification: Uncertain significance for Congenital myasthenic syndrome 15. Last evaluated: 2023-04-11. Review status: criteria provided, single submitter. Criteria: ACMG Guidelines, 2015. Collection method: clinical testing. Allele origin: germline. Affected: no.

Genome-Nilou Lab
Classification: Uncertain significance for Intellectual developmental disorder with epilepsy, behavioral abnormalities, and coarse facies. Last evaluated: 2023-04-11. Review status: criteria provided, single submitter. Criteria: ACMG Guidelines, 2015. Collection method: clinical testing. Allele origin: germline. Affected: no.

Genome-Nilou Lab
Classification: Uncertain significance for Myopathy, epilepsy, and progressive cerebral atrophy. Last evaluated: 2023-04-11. Review status: criteria provided, single submitter. Criteria: ACMG Guidelines, 2015. Collection method: clinical testing. Allele origin: germline. Affected: no.

Labcorp Genetics (formerly Invitae), Labcorp
Classification: Uncertain significance for Congenital myasthenic syndrome 15. Last evaluated: 2022-06-27. Review status: criteria provided, single submitter. Criteria: Invitae Variant Classification Sherloc (09022015). Collection method: clinical testing. Allele origin: germline.
Comment: This sequence change replaces asparagine, which is neutral and polar, with aspartic acid, which is acidic and polar, at codon 61 of the ALG14 protein (p.Asn61Asp). This variant is present in population databases (rs577399329, gnomAD 0.04%). This variant has not been reported in the literature in individuals affected with ALG14-related conditions. Algorithms developed to predict the effect of missense changes on protein structure and function output the following: SIFT: "Tolerated"; PolyPhen-2: "Benign"; Align-GVGD: "Class C0". The aspartic acid amino acid residue is found in multiple mammalian species, which suggests that this missense change does not adversely affect protein function. In summary, the available evidence is currently insufficient to determine the role of this variant in disease. Therefore, it has been classified as a Variant of Uncertain Significance.

NM_144988.4(ALG14):c.181A>G (p.Asn61Asp)

Genes: ALG14 (ALG14 UDP-N-acetylglucosaminyltransferase subunit; minus strand), ALG14-AS1 (ALG14 antisense RNA 1; plus strand). Cytogenetic location: 1p21.3.
Variant type: single nucleotide variant.
Coding change: c.181A>G on transcript NM_144988.4 (MANE Select); coding-DNA position 181, A replaced by G.
Protein change: p.Asn61Asp; replaces asparagine 61 with aspartic acid.
Molecular consequence: missense variant.
Genome position (GRCh38, 1-based): chr1:95,064,973, T>C on the plus strand (A>G on the coding strand, the complement: ALG14 is on the minus strand). VCF-style: chr1-95064973-T-C. GRCh37 (hg19) VCF-style: chr1-95530529-T-C.
Other names: c.181A>G, p.Asn61Asp (NM_001305242.2); c.181A>G (NM_144988.3); short protein forms N61D.
Identifiers: ClinVar variation 1364291 (VCV001364291.5), dbSNP rs577399329, ClinGen allele CA961851.